The following is an entry in ClinVar:

ClinVar aggregate classification (germline): Uncertain significance (1 of 4 stars; one submission).

Conditions:
Combined immunodeficiency due to ZAP70 deficiency (IMD48). Also called: Immunodeficiency 48; ZAP70 Deficiency. Identifiers: Orphanet 911, MedGen C2931299, MONDO:0010023, OMIM 269840.

gnomAD v4.1: 1 of 1,614,028 alleles (0.000062%); highest among the groups gnomAD compares: Non-Finnish European, 0.000085%; no homozygotes.

Submission:

Labcorp Genetics (formerly Invitae), Labcorp
Classification: Uncertain significance for Combined immunodeficiency due to ZAP70 deficiency. Last evaluated: 2022-06-10. Review status: criteria provided, single submitter. Criteria: Invitae Variant Classification Sherloc (09022015). Collection method: clinical testing. Allele origin: germline.
Comment: This sequence change replaces isoleucine, which is neutral and non-polar, with threonine, which is neutral and polar, at codon 203 of the ZAP70 protein (p.Ile203Thr). This variant is not present in population databases (gnomAD no frequency). In summary, the available evidence is currently insufficient to determine the role of this variant in disease. Therefore, it has been classified as a Variant of Uncertain Significance. Algorithms developed to predict the effect of missense changes on protein structure and function are either unavailable or do not agree on the potential impact of this missense change (SIFT: "Not Available"; PolyPhen-2: "Benign"; Align-GVGD: "Not Available"). This variant has not been reported in the literature in individuals affected with ZAP70-related conditions.

NM_001079.4(ZAP70):c.608T>C (p.Ile203Thr)

Gene: ZAP70 (zeta chain of T cell receptor associated protein kinase 70; plus strand). Cytogenetic location: 2q11.2.
Variant type: single nucleotide variant.
Coding change: c.608T>C on transcript NM_001079.4 (MANE Select); coding-DNA position 608, T replaced by C.
Protein change: p.Ile203Thr; replaces isoleucine 203 with threonine.
Molecular consequence: missense variant.
Genome position (GRCh38, 1-based): chr2:97,732,927, T>C. VCF-style: chr2-97732927-T-C. GRCh37 (hg19) VCF-style: chr2-98349390-T-C.
Other names: c.608T>C, p.Ile203Thr (NM_001378594.1); short protein forms I203T.
Identifiers: ClinVar variation 2000464 (VCV002000464.4), dbSNP rs751747318, ClinGen allele CA347796947.